The following is an entry in ClinVar:

NM_000535.5:c.804-60_804-59insSVA

Gene: PMS2 (PMS1 homolog 2, mismatch repair system component; minus strand).
Variant type: Insertion.
Identifiers: ClinVar variation 1761773 (VCV001761773.3).

ClinVar aggregate classification (germline): Pathogenic (1 of 4 stars; one submission).

Conditions:
Hereditary cancer-predisposing syndrome. Also called: Neoplastic Syndromes, Hereditary; Tumor predisposition; Hereditary Cancer Syndrome; Hereditary neoplastic syndrome. Identifiers: Orphanet 140162, MedGen C0027672, MeSH D009386, MONDO:0015356.

Submission:

Ambry Genetics
Classification: Pathogenic for Hereditary cancer-predisposing syndrome. Last evaluated: 2025-10-01. Review status: criteria provided, single submitter. Criteria: Ambry Variant Classification Scheme 2023. Collection method: clinical testing. Allele origin: germline.
Comment: The c.804-60_804-59insSVA intronic pathogenic variant results from the insertion of an SVA element between 60 and 59 nucleotides upstream of coding exon 8 in the PMS2 gene. This alteration has been identified in several unrelated individuals diagnosed with Lynch syndrome-associated cancers that demonstrated high microsatellite instability (MSI-H) and/or loss of PMS2 expression on immunohistochemistry (IHC) (Ambry internal data). A similar SVA element insertion in the PMS2 gene has been reported in an individual with MSI-H colon cancer that displayed loss of PMS2 expression on IHC and family history met Amsterdam II criteria for Lynch syndrome (van der Klift H et al. Genes Chromosomes Cancer, 2005 Oct;44:123-38; van der Klift HM et al. Hum. Mutat., 2012 Jul;33:1051-5; van der Klift HM et al. Hum. Mutat., 2016 11;37:1162-1179). Furthermore, analysis by RT-PCR demonstrated aberrant splicing with insertion of a 71 base pair fragment causing a frame-shift with a predicted alternate stop codon. No wild-type transcript was reported to be produced from the mutant allele (van der Klift HM et al. Hum. Mutat., 2012 Jul;33:1051-5). RNA studies have demonstrated this alteration results in abnormal splicing in the set of samples tested (Ambry internal data). Based on the supporting evidence, this alteration is interpreted as a disease-causing mutation.

Literature cited by the submitters: PubMed 15942939; PubMed 22461402; PubMed 27435373; PubMed 31822864.